The following is an entry in ClinVar:

ClinVar aggregate classification (germline): Pathogenic (1 of 4 stars; one submission).

Conditions:
Hypercalcemia, infantile, 1 (HCINF1). Identifiers: Orphanet 300547, MedGen CN031131, MONDO:0020739, OMIM 143880.

Submission:

MVZ Medizinische Genetik Mainz
Classification: Pathogenic for Hypercalcemia, infantile, 1. Last evaluated: 2022-09-28. Review status: criteria provided, single submitter. Criteria: UK Practice Guidelines For Variant Classification V4 01 2020. Collection method: clinical testing. Allele origin: germline. Inheritance: Autosomal recessive inheritance. Affected: yes. Observed: 1 variant allele.
Comment: ACMG Criteria: PVS1,PM2_SUP,PM3_SUP

NM_000782.5(CYP24A1):c.670_673dup (p.Gly225fs)

Gene: CYP24A1 (cytochrome P450 family 24 subfamily A member 1; minus strand). Cytogenetic location: 20q13.2.
Variant type: Duplication.
Coding change: c.670_673dup on transcript NM_000782.5 (MANE Select); coding-DNA positions 670 to 673, 4 bases duplicated (TTTG; older notation c.670_673dupTTTG).
Protein change: p.Gly225fs; shifts the reading frame from glycine 225.
Molecular consequence: frameshift variant.
Genome position (GRCh38, 1-based): chr20:54,165,801-54,165,804, CAAA duplicated on the plus strand (TTTG on the coding strand, the reverse complement: CYP24A1 is on the minus strand). VCF-style (leftmost placement, unchanged base first): chr20-54165800-C-CCAAA. GRCh37 (hg19) VCF-style: chr20-52782339-C-CCAAA.
Other names: c.670_673dup, p.Gly225fs (NM_001128915.2, NM_001424340.1, NM_001424341.1 and 2 more transcripts); short protein forms G225fs.
Identifiers: ClinVar variation 3236225 (VCV003236225.1), dbSNP rs2516376283, ClinGen allele CA2825002839.
Genomic context (GRCh38, chr20:54,165,800, plus strand): 5'-ACTGTTTTGATGGCCATGATGAAGTTCACAGCTTCATCCCCTGCATTCTTCTGGAGAAGC[C>CCAAA]CAAATCTCTTCTCATACAACACGAGGCAGATACCTGTCATTTAAAATAATCATCACTTTA-3'